The following is an entry in ClinVar:

ClinVar aggregate classification (germline): Uncertain significance. Review status: criteria provided, multiple submitters, no conflicts (2 of 4 stars). 5 submissions from 5 submitters: Uncertain significance (5). Last evaluated 2026-01-02.

Conditions:
BRCA2-related cancer predisposition. Identifiers: MedGen CN377758, MONDO:0700269.
Hereditary cancer-predisposing syndrome. Also called: Neoplastic Syndromes, Hereditary; Tumor predisposition; Hereditary neoplastic syndrome; Hereditary Cancer Syndrome. Identifiers: Orphanet 140162, MedGen C0027672, MeSH D009386, MONDO:0015356.
Hereditary breast ovarian cancer syndrome. Also called: Hereditary breast and ovarian cancer syndrome (HBOC); Hereditary breast and ovarian cancer; Hereditary breast and/or ovarian cancer syndrome; Hereditary breast and ovarian cancer syndrome; Breast and ovarian cancer; BRCA1- and BRCA2-Associated Hereditary Breast and Ovarian Cancer. Identifiers: Orphanet 145, MedGen C0677776, MeSH D061325, MONDO:0003582. Disease mechanism: loss of function.

Allele frequency attached by ClinVar (database versions not stated): TOPMed below 0.00001.

Submissions (5):

Labcorp Genetics (formerly Invitae), Labcorp
Classification: Uncertain significance for Hereditary breast ovarian cancer syndrome. Last evaluated: 2026-01-02. Review status: criteria provided, single submitter. Criteria: Invitae Variant Classification Sherloc (09022015). Collection method: clinical testing. Allele origin: germline.
Comment: This sequence change replaces arginine, which is basic and polar, with lysine, which is basic and polar, at codon 259 of the BRCA2 protein (p.Arg259Lys). This variant is not present in population databases (gnomAD no frequency). This variant has not been reported in the literature in individuals affected with BRCA2-related conditions. ClinVar contains an entry for this variant (Variation ID: 567600). Invitae Evidence Modeling of protein sequence and biophysical properties (such as structural, functional, and spatial information, amino acid conservation, physicochemical variation, residue mobility, and thermodynamic stability) indicates that this missense variant is not expected to disrupt BRCA2 protein function with a negative predictive value of 95%. In summary, the available evidence is currently insufficient to determine the role of this variant in disease. Therefore, it has been classified as a Variant of Uncertain Significance.

Ambry Genetics
Classification: Uncertain significance for Hereditary cancer-predisposing syndrome. Last evaluated: 2025-05-24. Review status: criteria provided, single submitter. Criteria: Ambry Variant Classification Scheme 2023. Collection method: clinical testing. Allele origin: germline.
Comment: The p.R259K variant (also known as c.776G>A), located in coding exon 8 of the BRCA2 gene, results from a G to A substitution at nucleotide position 776. The arginine at codon 259 is replaced by lysine, an amino acid with highly similar properties. This amino acid position is not well conserved in available vertebrate species. In addition, this alteration is predicted to be tolerated by in silico analysis. Since supporting evidence is limited at this time, the clinical significance of this alteration remains unclear.

All of Us Research Program, National Institutes of Health
Classification: Uncertain significance for BRCA2-related cancer predisposition. Last evaluated: 2024-04-16. Review status: criteria provided, single submitter. Criteria: ACMG Guidelines, 2015. Collection method: clinical testing. Allele origin: germline. Inheritance: Autosomal dominant inheritance. Observed: 1 variant allele, 1 heterozygote.
Comment: This missense variant replaces arginine with lysine at codon 259 of the BRCA2 protein. Computational prediction suggests that this variant may not impact protein structure and function (internally defined REVEL score threshold <= 0.5, PMID: 27666373). To our knowledge, functional studies have not been reported for this variant. This variant has not been reported in individuals affected with hereditary cancer in the literature. This variant has not been identified in the general population by the Genome Aggregation Database (gnomAD). The available evidence is insufficient to determine the role of this variant in disease conclusively. Therefore, this variant is classified as a Variant of Uncertain Significance.

This study involves interpretation of variants in research participants for the purpose of population health screening. Participant phenotype was not available at the time of variant classification. Additional details can be found in publication PMID: 35346344, PMCID: PMC8962531

Quest Diagnostics Nichols Institute San Juan Capistrano
Classification: Uncertain significance. Last evaluated: 2024-03-27. Review status: criteria provided, single submitter. Criteria: Quest Diagnostics criteria. Collection method: clinical testing. Allele origin: unknown.
Comment: The BRCA2 c.776G>A (p.Arg259Lys) variant has not been reported in individuals with BRCA2-related conditions in the published literature. It also has not been reported in large, multi-ethnic general populations (Genome Aggregation Database). Analysis of this variant using bioinformatics tools for the prediction of the effect of amino acid changes on protein structure and function yielded predictions that this variant is benign. Based on the available information, we are unable to determine the clinical significance of this variant.

Women's Health and Genetics/Laboratory Corporation of America, LabCorp
Classification: Uncertain significance. Last evaluated: 2021-04-26. Review status: criteria provided, single submitter. Criteria: LabCorp Variant Classification Summary - May 2015. Collection method: clinical testing. Allele origin: germline.
Comment: Variant summary: BRCA2 c.776G>A (p.Arg259Lys) results in a conservative amino acid change in the encoded protein sequence. Five of five in-silico tools predict a benign effect of the variant on protein function. The variant was absent in 250522 control chromosomes. The available data on variant occurrences in the general population are insufficient to allow any conclusion about variant significance. To our knowledge, no occurrence of c.776G>A in individuals affected with Hereditary Breast And Ovarian Cancer Syndrome and no experimental evidence demonstrating its impact on protein function have been reported. One clinical diagnostic laboratory has submitted clinical-significance assessments for this variant to ClinVar after 2014 without evidence for independent evaluation and classified the variant as uncertain significance. Based on the evidence outlined above, the variant was classified as uncertain significance.

NM_000059.4(BRCA2):c.776G>A (p.Arg259Lys)

Gene: BRCA2 (BRCA2 DNA repair associated; plus strand). Cytogenetic location: 13q13.1.
Variant type: single nucleotide variant.
Coding change: c.776G>A on transcript NM_000059.4 (MANE Select); coding-DNA position 776, G replaced by A.
Protein change: p.Arg259Lys; replaces arginine 259 with lysine.
Molecular consequence: missense variant.
Genome position (GRCh38, 1-based): chr13:32,331,013, G>A. VCF-style: chr13-32331013-G-A. GRCh37 (hg19) VCF-style: chr13-32905150-G-A.
Other names: short protein forms R259K.
Identifiers: ClinVar variation 567600 (VCV000567600.12), dbSNP rs1566221533, ClinGen allele CA387760193.